The following is an entry in ClinVar:

NM_005002.5(NDUFA9):c.571G>C (p.Val191Leu)

Gene: NDUFA9 (NADH:ubiquinone oxidoreductase subunit A9; plus strand). Cytogenetic location: 12p13.32.
Variant type: single nucleotide variant.
Coding change: c.571G>C on transcript NM_005002.5 (MANE Select); coding-DNA position 571, G replaced by C.
Protein change: p.Val191Leu; replaces valine 191 with leucine.
Molecular consequence: missense variant.
Genome position (GRCh38, 1-based): chr12:4,662,551, G>C. VCF-style: chr12-4662551-G-C. GRCh37 (hg19) VCF-style: chr12-4771717-G-C.
Other names: short protein forms V191L.
Identifiers: ClinVar variation 4118242 (VCV004118242.2).

ClinVar aggregate classification (germline): Uncertain significance. Review status: criteria provided, multiple submitters, no conflicts (2 of 4 stars). 2 submissions from 2 submitters: Uncertain significance (2). Last evaluated 2025-11-26.

Conditions:
Inborn genetic diseases. Identifiers: MedGen C0950123, MeSH D030342.

gnomAD v4.1: 4 of 1,613,912 alleles (0.00025%); highest among the groups gnomAD compares: Admixed American, 0.0067%; no homozygotes.

Submissions (2):

Labcorp Genetics (formerly Invitae), Labcorp
Classification: Uncertain significance. Last evaluated: 2025-11-26. Review status: criteria provided, single submitter. Criteria: Invitae Variant Classification Sherloc (09022015). Collection method: clinical testing. Allele origin: germline.
Comment: This sequence change replaces valine, which is neutral and non-polar, with leucine, which is neutral and non-polar, at codon 191 of the NDUFA9 protein (p.Val191Leu). This variant is present in population databases (rs199935545, gnomAD 0.01%). This variant has not been reported in the literature in individuals affected with NDUFA9-related conditions. ClinVar contains an entry for this variant (Variation ID: 4118242). An algorithm developed to predict the effect of missense changes on protein structure and function (PolyPhen-2) suggests that this variant is likely to be disruptive. In summary, the available evidence is currently insufficient to determine the role of this variant in disease. Therefore, it has been classified as a Variant of Uncertain Significance.

Ambry Genetics
Classification: Uncertain significance for Inborn genetic diseases. Last evaluated: 2025-06-25. Review status: criteria provided, single submitter. Criteria: Ambry Variant Classification Scheme 2023. Collection method: clinical testing. Allele origin: germline.